The following is an entry in ClinVar:

ClinVar aggregate classification (germline): Uncertain significance (1 of 4 stars; one submission).

Conditions:
Baller-Gerold syndrome (BGS). Also called: CRANIOSYNOSTOSIS WITH RADIAL DEFECTS. Identifiers: Orphanet 1225, MedGen C0265308, MONDO:0009039, OMIM 218600.

Submission:

Labcorp Genetics (formerly Invitae), Labcorp
Classification: Uncertain significance for Baller-Gerold syndrome. Last evaluated: 2021-10-06. Review status: criteria provided, single submitter. Criteria: Invitae Variant Classification Sherloc (09022015). Collection method: clinical testing. Allele origin: germline.
Comment: This sequence change replaces proline with alanine at codon 26 of the RECQL4 protein (p.Pro26Ala). The proline residue is highly conserved and there is a small physicochemical difference between proline and alanine. The frequency data for this variant in the population databases is considered unreliable, as metrics indicate insufficient coverage at this position in the ExAC database. This variant has not been reported in the literature in individuals affected with RECQL4-related conditions. Experimental studies and prediction algorithms are not available or were not evaluated, and the functional significance of this variant is currently unknown. In summary, the available evidence is currently insufficient to determine the role of this variant in disease. Therefore, it has been classified as a Variant of Uncertain Significance.

NM_004260.4(RECQL4):c.76C>G (p.Pro26Ala)

Genes: RECQL4 (RecQ like helicase 4; minus strand), LOC130001411 (ATAC-STARR-seq lymphoblastoid silent region 19699; plus strand). Cytogenetic location: 8q24.3.
Variant type: single nucleotide variant.
Coding change: c.76C>G on transcript NM_004260.4 (MANE Select); coding-DNA position 76, C replaced by G.
Protein change: p.Pro26Ala; replaces proline 26 with alanine.
Molecular consequence: missense variant.
Genome position (GRCh38, 1-based): chr8:144,517,709, G>C on the plus strand (C>G on the coding strand, the complement: RECQL4 is on the minus strand). VCF-style: chr8-144517709-G-C. GRCh37 (hg19) VCF-style: chr8-145743093-G-C.
Other names: short protein forms P26A.
Identifiers: ClinVar variation 1405481 (VCV001405481.6), dbSNP rs2130745257, ClinGen allele CA372693647.